The following is an entry in ClinVar:

ClinVar aggregate classification (germline): Likely benign. Review status: criteria provided, multiple submitters, no conflicts (2 of 4 stars). 2 submissions from 2 submitters: Likely benign (2). Last evaluated 2026-06-01.

Conditions:
TRIP12-related disorder. Also called: TRIP12-related condition.

gnomAD v4.1: 3 of 1,614,184 alleles (0.00019%); highest among the groups gnomAD compares: Admixed American, 0.005%; no homozygotes.

Submissions (2):

CeGaT Center for Human Genetics Tuebingen
Classification: Likely benign. Last evaluated: 2026-06-01. Review status: criteria provided, single submitter. Criteria: CeGaT Center For Human Genetics Tuebingen Variant Classification Criteria Version 2. Collection method: clinical testing. Allele origin: germline. Affected: yes. Observed: 1 variant allele.
Comment: TRIP12: BP4, BP7

PreventionGenetics, part of Exact Sciences
Classification: Likely benign for TRIP12-related condition. Last evaluated: 2024-12-21. Review status: criteria provided, single submitter. Criteria: ACMG Guidelines, 2015. Collection method: clinical testing. Allele origin: germline.
Comment: This variant is classified as likely benign based on ACMG/AMP sequence variant interpretation guidelines (Richards et al. 2015 PMID: 25741868, with internal and published modifications).

NM_001348323.3(TRIP12):c.3345T>C (p.Ser1115=)

Gene: TRIP12 (thyroid hormone receptor interactor 12; minus strand). Cytogenetic location: 2q36.3.
Variant type: single nucleotide variant.
Coding change: c.3345T>C on transcript NM_001348323.3 (MANE Select); coding-DNA position 3345, T replaced by C.
Protein change: p.Ser1115=; no amino-acid change (serine 1115 retained).
Molecular consequence: synonymous variant.
Genome position (GRCh38, 1-based): chr2:229,799,012, A>G on the plus strand (T>C on the coding strand, the complement: TRIP12 is on the minus strand). VCF-style: chr2-229799012-A-G. GRCh37 (hg19) VCF-style: chr2-230663728-A-G.
Other names: c.3264T>C (NM_001284214.1); c.3264T>C, p.Ser1088= (NM_001284214.2, NM_001348315.2); c.3219T>C, p.Ser1073= (NM_001284215.2, NM_001348316.2, NM_001348317.1 and 1 more transcripts); c.2310T>C, p.Ser770= (NM_001284216.2); c.3345T>C, p.Ser1115= (NM_001348319.1, NM_001348320.2, NM_001348322.1 and 4 more transcripts); c.3348T>C, p.Ser1116= (NM_001348321.1, NM_001348328.1, NM_001348329.2 and 1 more transcripts); c.3138T>C, p.Ser1046= (NM_001348331.1); c.3258T>C, p.Ser1086= (NM_001348332.1); and 2 more.
Identifiers: ClinVar variation 4872311 (VCV004872311.3).